The following is an entry in ClinVar:

NM_001267550.2(TTN):c.106531+4G>A

Genes: TTN (titin; minus strand), TTN-AS1 (TTN antisense RNA 1; plus strand). Cytogenetic location: 2q31.2.
Variant type: single nucleotide variant.
Coding change: c.106531+4G>A on transcript NM_001267550.2 (MANE Select); 4 bases into the intron after coding-DNA position 106531, G replaced by A.
Molecular consequence: intron variant.
Genome position (GRCh38, 1-based): chr2:178,529,956, C>T on the plus strand (G>A on the coding strand, the complement: TTN is on the minus strand). VCF-style: chr2-178529956-C-T. GRCh37 (hg19) VCF-style: chr2-179394683-C-T.
Other names: c.79336+4G>A (NM_003319.4); c.79912+4G>A (NM_133437.4); c.79711+4G>A (NM_133432.3); c.98827+4G>A (NM_133378.4); c.101608+4G>A (NM_001256850.1).
Identifiers: ClinVar variation 4682172 (VCV004682172.1).
Genomic context (GRCh38, chr2:178,529,956, plus strand): 5'-TTTGAAAATATTTCCCTAATATTATCTTCTGAAGAAATGTGGGTAAAAACAAAAGCCAAC[C>T]TACCTTTTATTGTTAATTTGCAGCTAGAGGACACAGATCCAGCTGAATTTTTTACTGTAC-3'

ClinVar aggregate classification (germline): Uncertain significance (1 of 4 stars; one submission).

Submission:

Athena Diagnostics
Classification: Uncertain significance. Last evaluated: 2025-10-28. Review status: criteria provided, single submitter. Criteria: Athena Diagnostics Criteria. Collection method: clinical testing. Allele origin: unknown.
Comment: Available data are insufficient to determine the clinical significance of the variant at this time. This variant has not been reported in large, multi-ethnic general populations. Computational tools yielded predictions that this variant is unlikely to have an effect on normal RNA splicing.